The following is an entry in ClinVar:

ClinVar aggregate classification (germline): Uncertain significance (1 of 4 stars; one submission).

Conditions:
TTN-related disorder. Also called: TTN-related disorders; TTN-related condition; TTN-related disease.

gnomAD v4.1: 5 of 1,612,788 alleles (0.00031%); highest among the groups gnomAD compares: African/African-American, 0.0027%; no homozygotes.

Submission:

PreventionGenetics, part of Exact Sciences
Classification: Uncertain significance for TTN-related condition. Last evaluated: 2026-09-16. Review status: criteria provided, single submitter. Criteria: ACMG Guidelines, 2015. Collection method: clinical testing. Allele origin: germline.
Comment: The TTN c.14717C>T variant is predicted to result in the amino acid substitution p.Thr4906Ile. To our knowledge, this variant has not been reported in the literature. This variant is reported in 0.0062% of alleles in individuals of African descent in gnomAD. At this time, the clinical significance of this variant is uncertain due to the absence of conclusive functional and genetic evidence.

NM_001267550.2(TTN):c.11311+5441C>T

Genes: TTN (titin; minus strand), LOC126806432 (CDK7 strongly-dependent group 2 enhancer GRCh37_chr2:179611985-179613184; plus strand). Cytogenetic location: 2q31.2.
Variant type: single nucleotide variant.
Coding change: c.11311+5441C>T on transcript NM_001267550.2 (MANE Select); 5441 bases into the intron after coding-DNA position 11311, C replaced by T.
Molecular consequence: intron variant. On other transcripts: missense variant (1).
Genome position (GRCh38, 1-based): chr2:178,747,683, G>A on the plus strand (C>T on the coding strand, the complement: TTN is on the minus strand). VCF-style: chr2-178747683-G-A. GRCh37 (hg19) VCF-style: chr2-179612410-G-A.
Other names: c.14717C>T, p.Thr4906Ile (NM_133379.5); c.10222+5441C>T (NM_003319.4); c.10798+5441C>T (NM_133437.4); c.10597+5441C>T (NM_133432.3); c.10360+5441C>T (NM_133378.4, NM_001256850.1); short protein forms T4906I.
Identifiers: ClinVar variation 4984666 (VCV004984666.1).